The following is an entry in ClinVar:

ClinVar aggregate classification (germline): Conflicting classifications of pathogenicity. Review status: criteria provided, conflicting classifications (1 of 4 stars). 6 submissions from 6 submitters: Uncertain significance (2); Benign (1); Likely benign (3). Last evaluated 2025-11-25.

Conditions:
Primary ciliary dyskinesia. Also called: Ciliary dyskinesia. Identifiers: Orphanet 244, MedGen C0008780, MONDO:0016575, HP:0012265.

Allele frequency attached by ClinVar (database versions not stated): TOPMed 0.00005.
gnomAD v4.1: 170 of 1,608,532 alleles (0.011%); highest among the groups gnomAD compares: Non-Finnish European, 0.013%; no homozygotes.

Submissions (6):

Labcorp Genetics (formerly Invitae), Labcorp
Classification: Likely benign for Primary ciliary dyskinesia. Last evaluated: 2025-11-25. Review status: criteria provided, single submitter. Criteria: Invitae Variant Classification Sherloc (09022015). Collection method: clinical testing. Allele origin: germline.

Blueprint Genetics
Classification: Uncertain significance. Last evaluated: 2024-08-08. Review status: criteria provided, single submitter. Criteria: ACMG Guidelines, 2015. Collection method: clinical testing. Allele origin: germline.

Ambry Genetics
Classification: Uncertain significance for Primary ciliary dyskinesia. Last evaluated: 2024-03-11. Review status: criteria provided, single submitter. Criteria: Ambry Variant Classification Scheme 2023. Collection method: clinical testing. Allele origin: germline.

GeneDx
Classification: Likely benign. Last evaluated: 2015-05-29. Review status: criteria provided, single submitter. Criteria: GeneDx Variant Classification (06012015). Collection method: clinical testing. Allele origin: germline. Affected: yes.
Comment: This variant is considered likely benign or benign based on one or more of the following criteria: it is a conservative change, it occurs at a poorly conserved position in the protein, it is predicted to be benign by multiple in silico algorithms, and/or has population frequency not consistent with disease.

Laboratory for Molecular Medicine, Mass General Brigham Personalized Medicine
Classification: Likely benign. Last evaluated: 2014-11-05. Review status: criteria provided, single submitter. Criteria: LMM Criteria. Collection method: clinical testing. Allele origin: germline. Observed: 1 variant allele.
Comment: p.Arg2146His in exon 38 of DNAH11: This variant is not expected to have clinical significance due to a lack of conservation across species, including mammals. O f note, >10 mammals carry a histidine (His) at this position despite high nearby amino acid conservation.

PreventionGenetics, part of Exact Sciences
Classification: Benign. Review status: criteria provided, single submitter. Criteria: ACMG Guidelines, 2015. Collection method: clinical testing. Allele origin: germline.

NM_001277115.2(DNAH11):c.6437G>A (p.Arg2146His)

Gene: DNAH11 (dynein axonemal heavy chain 11; plus strand). Cytogenetic location: 7p15.3.
Variant type: single nucleotide variant.
Coding change: c.6437G>A on transcript NM_001277115.2 (MANE Select); coding-DNA position 6437, G replaced by A.
Protein change: p.Arg2146His; replaces arginine 2146 with histidine.
Molecular consequence: missense variant.
Genome position (GRCh38, 1-based): chr7:21,704,597, G>A. VCF-style: chr7-21704597-G-A. GRCh37 (hg19) VCF-style: chr7-21744215-G-A.
Other names: short protein forms R2146H.
Identifiers: ClinVar variation 180063 (VCV000180063.15), dbSNP rs727505321, ClinGen allele CA185731.